The following is an entry in ClinVar:

ClinVar aggregate classification (germline): Uncertain significance (1 of 4 stars; one submission).

Conditions:
Generalized epilepsy-paroxysmal dyskinesia syndrome (PNKD3). Also called: Paroxysmal nonkinesigenic dyskinesia, 3, with or without generalized epilepsy; Generalized epilepsy and paroxysmal dyskinesia. Identifiers: Orphanet 79137, MedGen C5574945, MONDO:0012276, OMIM 609446.

Submission:

Labcorp Genetics (formerly Invitae), Labcorp
Classification: Uncertain significance for Generalized epilepsy-paroxysmal dyskinesia syndrome. Last evaluated: 2024-12-24. Review status: criteria provided, single submitter. Criteria: Invitae Variant Classification Sherloc (09022015). Collection method: clinical testing. Allele origin: germline.
Comment: This sequence change replaces serine, which is neutral and polar, with arginine, which is basic and polar, at codon 642 of the KCNMA1 protein (p.Ser642Arg). This variant is not present in population databases (gnomAD no frequency). This variant has not been reported in the literature in individuals affected with KCNMA1-related conditions. Invitae Evidence Modeling of protein sequence and biophysical properties (such as structural, functional, and spatial information, amino acid conservation, physicochemical variation, residue mobility, and thermodynamic stability) indicates that this missense variant is not expected to disrupt KCNMA1 protein function with a negative predictive value of 80%. In summary, the available evidence is currently insufficient to determine the role of this variant in disease. Therefore, it has been classified as a Variant of Uncertain Significance.

NM_001161352.2(KCNMA1):c.1926C>G (p.Ser642Arg)

Gene: KCNMA1 (potassium calcium-activated channel subfamily M alpha 1; minus strand). Cytogenetic location: 10q22.3.
Variant type: single nucleotide variant.
Coding change: c.1926C>G on transcript NM_001161352.2 (MANE Select); coding-DNA position 1926, C replaced by G.
Protein change: p.Ser642Arg; replaces serine 642 with arginine.
Molecular consequence: missense variant.
Genome position (GRCh38, 1-based): chr10:77,027,825, G>C on the plus strand (C>G on the coding strand, the complement: KCNMA1 is on the minus strand). VCF-style: chr10-77027825-G-C. GRCh37 (hg19) VCF-style: chr10-78787583-G-C.
Other names: c.1926C>G, p.Ser642Arg (NM_001014797.3, NM_001161353.2, NM_001271519.2 and 8 more transcripts); c.1764C>G, p.Ser588Arg (NM_001271518.2); c.1386C>G, p.Ser462Arg (NM_001322838.2); short protein forms S642R, S462R, S588R.
Identifiers: ClinVar variation 3704972 (VCV003704972.2).